The following is an entry in ClinVar:

NM_001111067.4(ACVR1):c.1140C>T (p.Arg380=)

Gene: ACVR1 (activin A receptor type 1; minus strand). Cytogenetic location: 2q24.1.
Variant type: single nucleotide variant.
Coding change: c.1140C>T on transcript NM_001111067.4 (MANE Select); coding-DNA position 1140, C replaced by T.
Protein change: p.Arg380=; no amino-acid change (arginine 380 retained).
Molecular consequence: synonymous variant.
Genome position (GRCh38, 1-based): chr2:157,761,004, G>A on the plus strand (C>T on the coding strand, the complement: ACVR1 is on the minus strand). VCF-style: chr2-157761004-G-A. GRCh37 (hg19) VCF-style: chr2-158617516-G-A.
Other names: c.1140C>T, p.Arg380= (NM_001105.5, NM_001347663.1, NM_001347664.1 and 3 more transcripts).
Identifiers: ClinVar variation 3043296 (VCV003043296.2), dbSNP rs758035994, ClinGen allele CA429594042.

ClinVar aggregate classification (germline): Likely benign (0 of 4 stars; one submission).

Conditions:
ACVR1-related disorder. Also called: ACVR1-related condition.

Submission:

PreventionGenetics, part of Exact Sciences
Classification: Likely benign for ACVR1-related condition. Last evaluated: 2019-06-19. Review status: no assertion criteria provided. Collection method: clinical testing. Allele origin: germline.
Comment: This variant is classified as likely benign based on ACMG/AMP sequence variant interpretation guidelines (Richards et al. 2015 PMID: 25741868, with internal and published modifications).